The following is an entry in ClinVar:

ClinVar aggregate classification (germline): Benign. Review status: criteria provided, multiple submitters, no conflicts (2 of 4 stars). 6 submissions from 6 submitters: Benign (5). 1 of the submissions does not count toward it. Last evaluated 2026-02-02.

Conditions:
Usher syndrome type 2C. Also called: Usher syndrome, type 2B; USHER SYNDROME, TYPE IIC. Identifiers: Orphanet 231178, Orphanet 886, MedGen C2931213, MONDO:0011558, OMIM 605472.

Allele frequency attached by ClinVar (database versions not stated): gnomAD exomes 0.00240 and 0.00576; ExAC 0.00731; gnomAD 0.02278 and 0.02440; 1000 Genomes Project 0.02436; 1000 Genomes Project 30x 0.02577; ESP Exome Variant Server 0.02611; TOPMed 0.02669.
gnomAD v4.1: 7,059 of 1,612,928 alleles (0.44%); highest among the groups gnomAD compares: African/African-American, 8.5%; 258 homozygotes.

Submissions (6):

Labcorp Genetics (formerly Invitae), Labcorp
Classification: Benign. Last evaluated: 2026-02-02. Review status: criteria provided, single submitter. Criteria: Invitae Variant Classification Sherloc (09022015). Collection method: clinical testing. Allele origin: germline.

Athena Diagnostics
Classification: Benign. Last evaluated: 2024-06-04. Review status: criteria provided, single submitter. Criteria: Athena Diagnostics Criteria. Collection method: clinical testing. Allele origin: unknown.

Illumina Laboratory Services, Illumina
Classification: Benign for Usher syndrome type 2C. Last evaluated: 2018-01-13. Review status: criteria provided, single submitter. Criteria: ICSL Variant Classification Criteria 13 December 2019. Collection method: clinical testing. Allele origin: germline.
Comment: This variant was observed in the ICSL laboratory as part of a predisposition screen in an ostensibly healthy population. It had not been previously curated by ICSL or reported in the Human Gene Mutation Database (HGMD: prior to June 1st, 2018), and was therefore a candidate for classification through an automated scoring system. Utilizing variant allele frequency, disease prevalence and penetrance estimates, and inheritance mode, an automated score was calculated to assess if this variant is too frequent to cause the disease. Based on the score and internal cut-off values, a variant classified as benign is not then subjected to further curation. The score for this variant resulted in a classification of benign for this disease.

GeneDx
Classification: Benign. Last evaluated: 2015-10-08. Review status: criteria provided, single submitter. Criteria: GeneDx Variant Classification (06012015). Collection method: clinical testing. Allele origin: germline. Affected: yes.
Comment: This variant is considered likely benign or benign based on one or more of the following criteria: it is a conservative change, it occurs at a poorly conserved position in the protein, it is predicted to be benign by multiple in silico algorithms, and/or has population frequency not consistent with disease.

Laboratory for Molecular Medicine, Mass General Brigham Personalized Medicine
Classification: Benign. Last evaluated: 2014-07-16. Review status: criteria provided, single submitter. Criteria: LMM Criteria. Collection method: clinical testing. Allele origin: germline. Observed: 37 variant alleles.
Comment: Ser3257Ser in exon 46 is not expected to have clinical significance because it d oes not alter an amino acid residue and it has been identified in 9% (249/2924) of African American Chromosomes by the NHLBI Exome Sequencing Project (s.

Genetic Services Laboratory, University of Chicago
Classification: Likely benign. Review status: no assertion criteria provided. Collection method: clinical testing. Allele origin: germline. Inheritance: Autosomal dominant inheritance. Not counted in ClinVar's aggregate classification.
Comment: Likely benign based on allele frequency in 1000 Genomes Project or ESP global frequency and its presence in a patient with a rare or unrelated disease phenotype. NOT Sanger confirmed

NM_032119.4(ADGRV1):c.9771C>T (p.Ser3257=)

Gene: ADGRV1 (adhesion G protein-coupled receptor V1; plus strand). Cytogenetic location: 5q14.3.
Variant type: single nucleotide variant.
Coding change: c.9771C>T on transcript NM_032119.4 (MANE Select); coding-DNA position 9771, C replaced by T.
Protein change: p.Ser3257=; no amino-acid change (serine 3257 retained).
Molecular consequence: synonymous variant. On other transcripts: non-coding transcript variant (1).
Genome position (GRCh38, 1-based): chr5:90,724,854, C>T. VCF-style: chr5-90724854-C-T. GRCh37 (hg19) VCF-style: chr5-90020671-C-T.
Identifiers: ClinVar variation 46408 (VCV000046408.24), dbSNP rs16869039, ClinGen allele CA138275.